The following is an entry in ClinVar:

ClinVar aggregate classification (germline): Pathogenic. Review status: criteria provided, multiple submitters, no conflicts (2 of 4 stars). 2 submissions from 2 submitters: Pathogenic (2). Last evaluated 2025-03-09.

Conditions:
USH2A-related disorder. Also called: USH2A-related condition; USH2A-related disorders. Identifiers: MedGen CN239332.
Retinal disorder. Also called: Retinopathy; Retinopathies; Retinal Diseases; Retinal disorders. Identifiers: MedGen C0035309, MONDO:0005283, HP:0000488.

Submissions (2):

Myriad Genetics, Inc.
Classification: Pathogenic for USH2A-related disorder. Last evaluated: 2025-03-09. Review status: criteria provided, single submitter. Criteria: Myriad Autosomal Dominant, Autosomal Recessive and X-Linked Classification Criteria (2023). Collection method: clinical testing. Allele origin: unknown.
Comment: NM_206933.2(USH2A):c.3848_3849delTG(L1283Qfs*4) is expected to be pathogenic in the context of USH2A-related disorders. This variant is predicted to lead to an abnormal or absent protein product due to the creation of a premature termination codon in USH2A, a gene where loss-of-function variants are known to be pathogenic. Please note: this variant was assessed in the context of healthy population screening.

AURAGEN, Plan France Médecine Génomique
Classification: Pathogenic for Retinal disorder. Last evaluated: 2022-05-09. Review status: criteria provided, single submitter. Criteria: PFMG2025 (Lancet Reg Health Eur. 2025). Collection method: clinical testing. Allele origin: germline. Affected: yes.

NM_206933.4(USH2A):c.3848_3849del (p.Leu1283fs)

Genes: USH2A (usherin; minus strand), USH2A-AS1 (USH2A antisense RNA 1; plus strand). Cytogenetic location: 1q41.
Variant type: Deletion.
Coding change: c.3848_3849del on transcript NM_206933.4 (MANE Select); coding-DNA positions 3848 to 3849, 2 bases deleted (TG; older notation c.3848_3849delTG).
Protein change: p.Leu1283fs; shifts the reading frame from leucine 1283.
Molecular consequence: frameshift variant.
Genome position (GRCh38, 1-based): chr1:216,198,547-216,198,548, CA deleted on the plus strand (TG on the coding strand, the reverse complement: USH2A is on the minus strand). VCF-style (leftmost placement, unchanged base first): chr1-216198546-TCA-T. GRCh37 (hg19) VCF-style: chr1-216371888-TCA-T.
Other names: c.3848_3849del, p.Leu1283fs (NM_007123.6); short protein forms L1283fs.
Identifiers: ClinVar variation 5010588 (VCV005010588.2).